The following is an entry in ClinVar:

NM_001848.3(COL6A1):c.1057-14C>T

Gene: COL6A1 (collagen type VI alpha 1 chain; plus strand). Cytogenetic location: 21q22.3.
Variant type: single nucleotide variant.
Coding change: c.1057-14C>T on transcript NM_001848.3 (MANE Select); 14 bases into the intron before coding-DNA position 1057, C replaced by T.
Molecular consequence: intron variant.
Genome position (GRCh38, 1-based): chr21:45,990,965, C>T. VCF-style: chr21-45990965-C-T. GRCh37 (hg19) VCF-style: chr21-47410879-C-T.
Identifiers: ClinVar variation 897510 (VCV000897510.7), dbSNP rs572427436, ClinGen allele CA10070070.

ClinVar aggregate classification (germline): Likely benign. Review status: criteria provided, multiple submitters, no conflicts (2 of 4 stars). 2 submissions from 2 submitters: Likely benign (2). Last evaluated 2025-12-15.

Conditions:
Collagen 6-related myopathy. Identifiers: MedGen CN117976, MONDO:0100225.
Bethlem myopathy 1A. Also called: MYOPATHY, BENIGN CONGENITAL, WITH CONTRACTURES; Bethlem myopathy 1; Bethlem Muscular Dystrophy. Identifiers: Orphanet 610, MedGen CN029274, MONDO:0024530, OMIM 158810.

Allele frequency attached by ClinVar (database versions not stated): gnomAD 0.00001; gnomAD exomes 0.00001 and 0.00003; TOPMed 0.00001; ExAC 0.00002; 1000 Genomes Project 30x 0.00016; 1000 Genomes Project 0.00020.
gnomAD v4.1: 19 of 1,613,406 alleles (0.0012%); highest among the groups gnomAD compares: Admixed American, 0.0067%; no homozygotes.

Submissions (2):

Labcorp Genetics (formerly Invitae), Labcorp
Classification: Likely benign for Bethlem myopathy 1A. Last evaluated: 2025-12-15. Review status: criteria provided, single submitter. Criteria: Invitae Variant Classification Sherloc (09022015). Collection method: clinical testing. Allele origin: germline.

Illumina Laboratory Services, Illumina
Classification: Likely benign for Collagen VI-related myopathy. Last evaluated: 2018-03-06. Review status: criteria provided, single submitter. Criteria: ICSL Variant Classification Criteria 13 December 2019. Collection method: clinical testing. Allele origin: germline.
Comment: This variant was observed in the ICSL laboratory as part of a predisposition screen in an ostensibly healthy population. It had not been previously curated by ICSL or reported in the Human Gene Mutation Database (HGMD: prior to June 1st, 2018), and was therefore a candidate for classification through an automated scoring system. Utilizing variant allele frequency, disease prevalence and penetrance estimates, and inheritance mode, an automated score was calculated to assess if this variant is too frequent to cause the disease. Based on the score and internal cut-off values, a variant classified as likely benign is not then subjected to further curation. The score for this variant resulted in a classification of likely benign for this disease.